The following is an entry in ClinVar:

ClinVar aggregate classification (germline): Uncertain significance (1 of 4 stars; one submission).

Conditions:
Familial temporal lobe epilepsy 7. Identifiers: Orphanet 101046, MedGen C4225327, MONDO:0014639, OMIM 616436.
Norman-Roberts syndrome (LIS2). Also called: Lissencephaly 2 (Norman-Roberts type). Identifiers: Orphanet 89844, MedGen C0796089, MONDO:0009760, OMIM 257320.

gnomAD v4.1: 1 of 1,614,108 alleles (0.000062%); highest among the groups gnomAD compares: South Asian, 0.0011%; no homozygotes.

Submission:

Labcorp Genetics (formerly Invitae), Labcorp
Classification: Uncertain significance for Familial temporal lobe epilepsy 7; Norman-Roberts syndrome. Last evaluated: 2024-09-18. Review status: criteria provided, single submitter. Criteria: Invitae Variant Classification Sherloc (09022015). Collection method: clinical testing. Allele origin: germline.
Comment: This sequence change replaces proline, which is neutral and non-polar, with threonine, which is neutral and polar, at codon 2628 of the RELN protein (p.Pro2628Thr). This variant is not present in population databases (gnomAD no frequency). This variant has not been reported in the literature in individuals affected with RELN-related conditions. Invitae Evidence Modeling of protein sequence and biophysical properties (such as structural, functional, and spatial information, amino acid conservation, physicochemical variation, residue mobility, and thermodynamic stability) indicates that this missense variant is not expected to disrupt RELN protein function with a negative predictive value of 80%. In summary, the available evidence is currently insufficient to determine the role of this variant in disease. Therefore, it has been classified as a Variant of Uncertain Significance.

NM_005045.4(RELN):c.7882C>A (p.Pro2628Thr)

Gene: RELN (reelin; minus strand). Cytogenetic location: 7q22.1.
Variant type: single nucleotide variant.
Coding change: c.7882C>A on transcript NM_005045.4 (MANE Select); coding-DNA position 7882, C replaced by A.
Protein change: p.Pro2628Thr; replaces proline 2628 with threonine.
Molecular consequence: missense variant.
Genome position (GRCh38, 1-based): chr7:103,515,422, G>T on the plus strand (C>A on the coding strand, the complement: RELN is on the minus strand). VCF-style: chr7-103515422-G-T. GRCh37 (hg19) VCF-style: chr7-103155869-G-T.
Other names: c.7882C>A, p.Pro2628Thr (NM_173054.3); short protein forms P2628T.
Identifiers: ClinVar variation 2948850 (VCV002948850.3), dbSNP rs2484741442, ClinGen allele CA368763569.